The following is an entry in ClinVar:

NM_001367873.1(SOX6):c.1662G>A (p.Thr554=)

Gene: SOX6 (SRY-box transcription factor 6; minus strand). Cytogenetic location: 11p15.2.
Variant type: single nucleotide variant.
Coding change: c.1662G>A on transcript NM_001367873.1 (MANE Select); coding-DNA position 1662, G replaced by A.
Protein change: p.Thr554=; no amino-acid change (threonine 554 retained).
Molecular consequence: synonymous variant.
Genome position (GRCh38, 1-based): chr11:16,015,012, C>T on the plus strand (G>A on the coding strand, the complement: SOX6 is on the minus strand). VCF-style: chr11-16015012-C-T. GRCh37 (hg19) VCF-style: chr11-16036558-C-T.
Other names: c.1581G>A, p.Thr527= (NM_001145811.2, NM_017508.3); c.1662G>A, p.Thr554= (NM_001145819.2, NM_033326.3); c.1539G>A, p.Thr513= (NM_001367872.1).
Identifiers: ClinVar variation 2641632 (VCV002641632.24), dbSNP rs547693585, ClinGen allele CA5898061.

ClinVar aggregate classification (germline): Likely benign (1 of 4 stars; one submission).

Allele frequency attached by ClinVar (database versions not stated): TOPMed 0.00006; gnomAD 0.00011; 1000 Genomes Project 30x 0.00016; 1000 Genomes Project 0.00020; gnomAD exomes 0.00022; ExAC 0.00037.
gnomAD v4.1: 346 of 1,612,902 alleles (0.021%); highest among the groups gnomAD compares: South Asian, 0.25%; 1 homozygote.

Submission:

CeGaT Center for Human Genetics Tuebingen
Classification: Likely benign. Last evaluated: 2026-01-01. Review status: criteria provided, single submitter. Criteria: CeGaT Center For Human Genetics Tuebingen Variant Classification Criteria Version 2. Collection method: clinical testing. Allele origin: germline. Affected: yes. Observed: 3 variant alleles.
Comment: SOX6: BP4, BP7